The following is an entry in ClinVar:

NM_000064.4(C3):c.4030-1_4030delinsCT

Gene: C3 (complement C3; minus strand). Cytogenetic location: 19p13.3.
Variant type: Indel.
Coding change: c.4030-1_4030delinsCT on transcript NM_000064.4 (MANE Select); the canonical splice acceptor site of the intron before coding-DNA position 4030 through coding-DNA position 4030, GG replaced by CT.
Molecular consequence: splice acceptor variant.
Genome position (GRCh38, 1-based): chr19:6,684,650-6,684,651, CC replaced by AG on the plus strand (GG replaced by CT on the coding strand, the reverse complement: C3 is on the minus strand). VCF-style: chr19-6684650-CC-AG. GRCh37 (hg19) VCF-style: chr19-6684661-CC-AG.
Identifiers: ClinVar variation 3724682 (VCV003724682.2).

ClinVar aggregate classification (germline): Likely pathogenic (1 of 4 stars; one submission).

Submission:

Labcorp Genetics (formerly Invitae), Labcorp
Classification: Likely pathogenic. Last evaluated: 2024-11-11. Review status: criteria provided, single submitter. Criteria: Invitae Variant Classification Sherloc (09022015). Collection method: clinical testing. Allele origin: germline.
Comment: This variant results in the deletion of part of exon 32 (c.4030-1_4030delinsCT) of the C3 gene. It is expected to disrupt RNA splicing. Variants that disrupt the donor or acceptor splice site typically lead to a loss of protein function (PMID: 16199547), and loss-of-function variants in C3 are known to be pathogenic (PMID: 12462331, 14639503, 21501302). Information on the frequency of this variant in the gnomAD database is not available, as this variant may be reported differently in the database. This variant has not been reported in the literature in individuals affected with C3-related conditions. In summary, the currently available evidence indicates that the variant is pathogenic, but additional data are needed to prove that conclusively. Therefore, this variant has been classified as Likely Pathogenic.

Literature cited by the submitters: PubMed 16199547; PubMed 12462331; PubMed 14639503; PubMed 21501302.